The following is an entry in ClinVar:

ClinVar aggregate classification (germline): Uncertain significance. Review status: criteria provided, multiple submitters, no conflicts (2 of 4 stars). 3 submissions from 3 submitters: Uncertain significance (3). Last evaluated 2025-07-02.

Conditions:
Bardet-Biedl syndrome 7 (BBS7). Identifiers: Orphanet 110, MedGen C1859565, MONDO:0014435, OMIM 615984.
BBS7-related disorder. Also called: BBS7-related condition.
Bardet-Biedl syndrome (BBS). Identifiers: Orphanet 110, MedGen C0752166, MONDO:0015229.

Allele frequency attached by ClinVar (database versions not stated): gnomAD 0.00001; TOPMed 0.00002.
gnomAD v4.1: 4 of 1,613,758 alleles (0.00025%); highest among the groups gnomAD compares: African/African-American, 0.0053%; no homozygotes.

Submissions (3):

PreventionGenetics, part of Exact Sciences
Classification: Uncertain significance for BBS7-related condition. Last evaluated: 2025-07-02. Review status: criteria provided, single submitter. Criteria: ACMG Guidelines, 2015. Collection method: clinical testing. Allele origin: germline.
Comment: The BBS7 c.268A>G variant is predicted to result in the amino acid substitution p.Ile90Val. To our knowledge, this variant has not been reported in the literature or in a large population database, indicating this variant is rare. At this time, the clinical significance of this variant is uncertain due to the absence of conclusive functional and genetic evidence.

Labcorp Genetics (formerly Invitae), Labcorp
Classification: Uncertain significance for Bardet-Biedl syndrome. Last evaluated: 2024-10-15. Review status: criteria provided, single submitter. Criteria: Invitae Variant Classification Sherloc (09022015). Collection method: clinical testing. Allele origin: germline.
Comment: This sequence change replaces isoleucine, which is neutral and non-polar, with valine, which is neutral and non-polar, at codon 90 of the BBS7 protein (p.Ile90Val). This variant is not present in population databases (gnomAD no frequency). This variant has not been reported in the literature in individuals affected with BBS7-related conditions. ClinVar contains an entry for this variant (Variation ID: 1976931). Invitae Evidence Modeling of protein sequence and biophysical properties (such as structural, functional, and spatial information, amino acid conservation, physicochemical variation, residue mobility, and thermodynamic stability) indicates that this missense variant is not expected to disrupt BBS7 protein function with a negative predictive value of 80%. Algorithms developed to predict the effect of sequence changes on RNA splicing suggest that this variant may disrupt the consensus splice site. In summary, the available evidence is currently insufficient to determine the role of this variant in disease. Therefore, it has been classified as a Variant of Uncertain Significance.

Fulgent Genetics
Classification: Uncertain significance for Bardet-Biedl syndrome 7. Last evaluated: 2024-02-01. Review status: criteria provided, single submitter. Criteria: ACMG Guidelines, 2015. Collection method: clinical testing. Allele origin: germline.

NM_176824.3(BBS7):c.268A>G (p.Ile90Val)

Gene: BBS7 (Bardet-Biedl syndrome 7; minus strand). Cytogenetic location: 4q27.
Variant type: single nucleotide variant.
Coding change: c.268A>G on transcript NM_176824.3 (MANE Select); coding-DNA position 268, A replaced by G.
Protein change: p.Ile90Val; replaces isoleucine 90 with valine.
Molecular consequence: missense variant.
Genome position (GRCh38, 1-based): chr4:121,861,577, T>C on the plus strand (A>G on the coding strand, the complement: BBS7 is on the minus strand). VCF-style: chr4-121861577-T-C. GRCh37 (hg19) VCF-style: chr4-122782732-T-C.
Other names: c.268A>G (NM_176824.2); c.268A>G, p.Ile90Val (NM_018190.4); short protein forms I90V.
Identifiers: ClinVar variation 1976931 (VCV001976931.7), dbSNP rs1197411330, ClinGen allele CA358044461.